The following is an entry in ClinVar:

ClinVar aggregate classification (germline): Uncertain significance. Review status: criteria provided, multiple submitters, no conflicts (2 of 4 stars). 2 submissions from 2 submitters: Uncertain significance (2). Last evaluated 2022-08-20.

Conditions:
Inborn genetic diseases. Identifiers: MedGen C0950123, MeSH D030342.
Wiskott-Aldrich syndrome 2 (WAS2). Also called: WIPF1 DEFICIENCY. Identifiers: Orphanet 906, MedGen C3281001, MONDO:0013779, OMIM 614493.

Allele frequency attached by ClinVar (database versions not stated): gnomAD 0.00001; gnomAD exomes 0.00001; TOPMed 0.00001; ExAC 0.00002.
gnomAD v4.1: 9 of 1,613,854 alleles (0.00056%); highest among the groups gnomAD compares: Admixed American, 0.0033%; no homozygotes.

Submissions (2):

Labcorp Genetics (formerly Invitae), Labcorp
Classification: Uncertain significance for Wiskott-Aldrich syndrome 2. Last evaluated: 2022-08-20. Review status: criteria provided, single submitter. Criteria: Invitae Variant Classification Sherloc (09022015). Collection method: clinical testing. Allele origin: germline.
Comment: In summary, the available evidence is currently insufficient to determine the role of this variant in disease. Therefore, it has been classified as a Variant of Uncertain Significance. Algorithms developed to predict the effect of missense changes on protein structure and function are either unavailable or do not agree on the potential impact of this missense change (SIFT: "Not Available"; PolyPhen-2: "Probably Damaging"; Align-GVGD: "Not Available"). This variant has not been reported in the literature in individuals affected with WIPF1-related conditions. This variant is present in population databases (rs762388927, gnomAD 0.009%). This sequence change replaces phenylalanine, which is neutral and non-polar, with serine, which is neutral and polar, at codon 141 of the WIPF1 protein (p.Phe141Ser).

Ambry Genetics
Classification: Uncertain significance for Inborn genetic diseases. Last evaluated: 2022-01-03. Review status: criteria provided, single submitter. Criteria: Ambry Variant Classification Scheme 2023. Collection method: clinical testing. Allele origin: germline.

NM_001375834.1(WIPF1):c.422T>C (p.Phe141Ser)

Gene: WIPF1 (WAS/WASL interacting protein family member 1; minus strand). Cytogenetic location: 2q31.1.
Variant type: single nucleotide variant.
Coding change: c.422T>C on transcript NM_001375834.1 (MANE Select); coding-DNA position 422, T replaced by C.
Protein change: p.Phe141Ser; replaces phenylalanine 141 with serine.
Molecular consequence: missense variant. On other transcripts: intron variant (1).
Genome position (GRCh38, 1-based): chr2:174,572,383, A>G on the plus strand (T>C on the coding strand, the complement: WIPF1 is on the minus strand). VCF-style: chr2-174572383-A-G. GRCh37 (hg19) VCF-style: chr2-175437111-A-G.
Other names: c.422T>C, p.Phe141Ser (NM_001077269.1, NM_001375832.1, NM_001375833.1 and 5 more transcripts); c.182-138T>C (NM_001375839.1); short protein forms F141S.
Identifiers: ClinVar variation 1979835 (VCV001979835.5), dbSNP rs762388927, ClinGen allele CA1974129.